The following is an entry in ClinVar:

ClinVar aggregate classification (germline): Likely benign (1 of 4 stars; one submission).

Submission:

CeGaT Center for Human Genetics Tuebingen
Classification: Likely benign. Last evaluated: 2022-06-01. Review status: criteria provided, single submitter. Criteria: CeGaT Center For Human Genetics Tuebingen Variant Classification Criteria Version 2. Collection method: clinical testing. Allele origin: germline. Affected: yes. Observed: 1 variant allele.
Comment: CYP27C1: PM2:Supporting, BP4, BP7

NM_001367502.1(CYP27C1):c.1471C>T (p.Leu491=)

Gene: CYP27C1 (cytochrome P450 family 27 subfamily C member 1; minus strand). Cytogenetic location: 2q14.3.
Variant type: single nucleotide variant.
Coding change: c.1471C>T on transcript NM_001367502.1 (MANE Select); coding-DNA position 1471, C replaced by T.
Protein change: p.Leu491=; no amino-acid change (leucine 491 retained).
Molecular consequence: synonymous variant.
Genome position (GRCh38, 1-based): chr2:127,193,120, G>A on the plus strand (C>T on the coding strand, the complement: CYP27C1 is on the minus strand). VCF-style: chr2-127193120-G-A. GRCh37 (hg19) VCF-style: chr2-127950696-G-A.
Other names: c.976C>T, p.Leu326= (NM_001001665.4, NM_001367501.1).
Identifiers: ClinVar variation 2651327 (VCV002651327.24), dbSNP rs781517924, ClinGen allele CA428595879.
Genomic context (GRCh38, chr2:127,193,120, plus strand): 5'-ACCCAAAGGCCAACGTTTGGCCTCCACGCCCTACCTGGATCACGACGAGGTGAATCTCCA[G>A]TTCTGCAATTCTCCGCCCTATGCAGCTGCGAACCCCATGACCAAAGGGGATGGATCCAAA-3'
Protein context (NP_001354431.1, residues 481-501): RSCIGRRIAE[Leu491=]EIHLVVIQLL